The following is an entry in ClinVar:

NM_001267550.2(TTN):c.76403del (p.Val25468fs)

Genes: TTN (titin; minus strand), TTN-AS1 (TTN antisense RNA 1; plus strand). Cytogenetic location: 2q31.2.
Variant type: Deletion.
Coding change: c.76403del on transcript NM_001267550.2 (MANE Select); coding-DNA position 76403, one base deleted (T; older notation c.76403delT).
Protein change: p.Val25468fs; shifts the reading frame from valine 25468.
Molecular consequence: frameshift variant.
Genome position (GRCh38, 1-based): chr2:178,569,729, A deleted on the plus strand (T on the coding strand, the reverse complement: TTN is on the minus strand). VCF-style (leftmost placement, unchanged base first): chr2-178569728-TA-T. GRCh37 (hg19) VCF-style: chr2-179434455-TA-T.
Other names: c.71480del, p.Val23827fs (NM_001256850.1); c.49208del, p.Val16403fs (NM_003319.4); c.68699del, p.Val22900fs (NM_133378.4); c.49583del, p.Val16528fs (NM_133432.3); c.49784del, p.Val16595fs (NM_133437.4); c.49208delT (NM_003319.4); short protein forms V22900fs, V25468fs, V16403fs, V16595fs, V23827fs, V16528fs.
Identifiers: ClinVar variation 2451898 (VCV002451898.2), dbSNP rs2468417997, ClinGen allele CA2580064843.
Genomic context (GRCh38, chr2:178,569,728, plus strand): 5'-TCCAGCTTTATTAATAGCACAGATACGGAAGTTGTATTCATGCTTTTCCAACAGCTTCTC[TA>T]CTTCTATGTTTGTTTTATTAATTCCTGTTGGTGGAGTGCACATTGTCCATTCACCAACAC-3'

ClinVar aggregate classification (germline): Likely pathogenic (1 of 4 stars; one submission).

Conditions:
Cardiovascular phenotype. Identifiers: MedGen CN230736.

Submission:

Ambry Genetics
Classification: Likely pathogenic for Cardiovascular phenotype. Last evaluated: 2023-01-20. Review status: criteria provided, single submitter. Criteria: Ambry Variant Classification Scheme 2023. Collection method: clinical testing. Allele origin: germline.
Comment: The c.49208delT variant, located in coding exon 153 of the TTN gene, results from a deletion of one nucleotide at nucleotide position 49208, causing a translational frameshift with a predicted alternate stop codon (p.V16403Efs*33). This exon is located in the A-band region of the N2-B isoform of the titin protein and is constitutively expressed in TTN transcripts (percent spliced in or PSI 100%). This alteration has been reported in a dilated cardiomyopathy (DCM) cohort (Pe&ntilde;a-Pe&ntilde;a ML et al. Med Clin (Barc), 2021 May;156:485-495). This variant is also considered to be rare based on population cohorts in the Genome Aggregation Database (gnomAD). This alteration is expected to result in loss of function by premature protein truncation or nonsense-mediated mRNA decay. While truncating variants in TTN are present in 1-3% of the general population, truncating variants in the A-band are the most common cause of dilated cardiomyopathy (DCM) (Herman DS et al. N. Engl. J. Med., 2012 Feb;366:619-28; Roberts AM et al. Sci Transl Med, 2015 Jan;7:270ra6). TTN truncating variants encoded in constitutive exons (PSI >90%) have been found to be significantly associated with DCM regardless of their position in titin (Schafer S et al. Nat. Genet., 2017 01;49:46-53). Based on the majority of available evidence to date, this variant is likely to be pathogenic.

Literature cited by the submitters: PubMed 32826072.